The following is an entry in ClinVar:

NM_001367561.1(DOCK7):c.5360T>C (p.Met1787Thr)

Gene: DOCK7 (dedicator of cytokinesis 7; minus strand). Cytogenetic location: 1p31.3.
Variant type: single nucleotide variant.
Coding change: c.5360T>C on transcript NM_001367561.1 (MANE Select); coding-DNA position 5360, T replaced by C.
Protein change: p.Met1787Thr; replaces methionine 1787 with threonine.
Molecular consequence: missense variant.
Genome position (GRCh38, 1-based): chr1:62,492,705, A>G on the plus strand (T>C on the coding strand, the complement: DOCK7 is on the minus strand). VCF-style: chr1-62492705-A-G. GRCh37 (hg19) VCF-style: chr1-62958376-A-G.
Other names: c.5333T>C, p.Met1778Thr (NM_001271999.2, NM_001330614.2); c.5240T>C, p.Met1747Thr (NM_001272000.2, NM_001272001.2); c.5267T>C, p.Met1756Thr (NM_033407.4); short protein forms M1756T, M1747T, M1778T, M1787T.
Identifiers: ClinVar variation 2104408 (VCV002104408.4), dbSNP rs113169983, ClinGen allele CA23764311.

ClinVar aggregate classification (germline): Uncertain significance (1 of 4 stars; one submission).

Conditions:
Developmental and epileptic encephalopathy, 23 (DEE23). Also called: Epileptic encephalopathy, early infantile, 23. Identifiers: Orphanet 411986, MedGen C4014492, MONDO:0014371, OMIM 615859.

Allele frequency attached by ClinVar (database versions not stated): gnomAD exomes below 0.00001.

Submission:

Labcorp Genetics (formerly Invitae), Labcorp
Classification: Uncertain significance for Developmental and epileptic encephalopathy, 23. Last evaluated: 2022-07-13. Review status: criteria provided, single submitter. Criteria: Invitae Variant Classification Sherloc (09022015). Collection method: clinical testing. Allele origin: germline.
Comment: Algorithms developed to predict the effect of sequence changes on RNA splicing suggest that this variant may disrupt the consensus splice site. In summary, the available evidence is currently insufficient to determine the role of this variant in disease. Therefore, it has been classified as a Variant of Uncertain Significance. This sequence change replaces methionine, which is neutral and non-polar, with threonine, which is neutral and polar, at codon 1778 of the DOCK7 protein (p.Met1778Thr). This variant is not present in population databases (gnomAD no frequency). This variant has not been reported in the literature in individuals affected with DOCK7-related conditions. Algorithms developed to predict the effect of missense changes on protein structure and function (SIFT, PolyPhen-2, Align-GVGD) all suggest that this variant is likely to be tolerated.